The following is an entry in ClinVar:

Single allele

Gene: WWOX (WW domain containing oxidoreductase; plus strand). Cytogenetic location: 16q23.1.
Variant type: Deletion.
Identifiers: ClinVar variation 997824 (VCV000997824.1).

ClinVar aggregate classification (germline): Pathogenic (0 of 4 stars; one submission).

Conditions:
Epilepsy. Also called: Seizure disorder. Identifiers: MedGen C0014544, MeSH D004827, MONDO:0005027.
Intellectual disability. Also called: Intellectual functioning disability; Intellectual developmental disorder; intellectual disabilities. Identifiers: MedGen C3714756, MeSH D008607, MONDO:0001071, HP:0001249.

Submission:

Institute of Human Genetics, University of Leipzig Medical Center
Classification: Pathogenic for Intellectual disability; Epilepsy. Last evaluated: 2021-02-25. Review status: no assertion criteria provided. Collection method: clinical testing. Allele origin: maternal. Inheritance: Autosomal recessive inheritance. Affected: yes. Observed: 1 variant allele, 1 compound heterozygote.
Comment: The variant was reviewed according to current ACMG recommendations and classified as Pathogenic (criteria: PSV1_VeryStrong, PM2_Supporting, PM3_Moderate). This variant was identified in a compound heterozygous state with the variant NM_016373.4(WWOX):c.184G>T (p.Gly62Ter) (Variation ID: 976436).